The following is an entry in ClinVar:

NM_001458.5(FLNC):c.7384+5G>A

Genes: FLNC (filamin C; plus strand), FLNC-AS1 (FLNC antisense RNA 1; minus strand). Cytogenetic location: 7q32.1.
Variant type: single nucleotide variant.
Coding change: c.7384+5G>A on transcript NM_001458.5 (MANE Select); 5 bases into the intron after coding-DNA position 7384, G replaced by A.
Molecular consequence: intron variant.
Genome position (GRCh38, 1-based): chr7:128,856,655, G>A. VCF-style: chr7-128856655-G-A. GRCh37 (hg19) VCF-style: chr7-128496709-G-A.
Other names: c.7384+5G>A (NM_001458.4); c.7285+5G>A (NM_001127487.2).
Identifiers: ClinVar variation 1579880 (VCV001579880.11), dbSNP rs766570592, ClinGen allele CA4476248.

ClinVar aggregate classification (germline): Likely benign. Review status: criteria provided, multiple submitters, no conflicts (2 of 4 stars). 3 submissions from 3 submitters: Likely benign (3). Last evaluated 2026-06-16.

Conditions:
Distal myopathy with posterior leg and anterior hand involvement. Also called: WILLIAMS DISTAL MYOPATHY. Identifiers: Orphanet 63273, MedGen C3279722, MONDO:0013550, OMIM 614065.
Hypertrophic cardiomyopathy 26. Also called: Cardiomyopathy, familial hypertrophic, 26. Identifiers: Orphanet 75249, MedGen C4310749, MONDO:0014883, OMIM 617047.
Myofibrillar myopathy 5. Also called: FILAMINOPATHY, AUTOSOMAL DOMINANT; Filaminopathy (type). Identifiers: Orphanet 171445, MedGen C1836050, MONDO:0012289, OMIM 609524.
Cardiovascular phenotype. Identifiers: MedGen CN230736.

Allele frequency attached by ClinVar (database versions not stated): gnomAD exomes 0.00004 and 0.00010; gnomAD 0.00001; ExAC 0.00009.

Submissions (3):

Women's Health and Genetics/Laboratory Corporation of America, LabCorp
Classification: Likely benign. Last evaluated: 2026-06-16. Review status: criteria provided, single submitter. Criteria: LabCorp Variant Classification Summary - May 2015. Collection method: clinical testing. Allele origin: germline.
Comment: Variant summary: FLNC c.7384+5G>A alters a nucleotide located close to a canonical splice site and therefore could affect mRNA splicing, leading to a significantly altered protein sequence. Several computational tools predict a significant impact on normal splicing: Three predict the variant abolishes a 5' splicing donor site. One predict the variant weakens a 5' donor site. However, these predictions have yet to be confirmed by functional studies. The variant allele was found at a frequency of 0.0001 in 247558 control chromosomes, predominantly at a frequency of 0.00078 within the South Asian subpopulation in the gnomAD database, including 1 homozygote. The observed variant frequency within South Asian control individuals in the gnomAD database exceeds the estimated maximal expected allele frequency for disease-causing variants in FLNC. To our knowledge, no occurrence of c.7384+5G>A in individuals affected with FLNC-related conditions and no experimental evidence demonstrating its impact on protein function have been reported. ClinVar contains an entry for this variant (Variation ID: 1579880). Based on the evidence outlined above, the variant was classified as likely benign.

Labcorp Genetics (formerly Invitae), Labcorp
Classification: Likely benign for Distal myopathy with posterior leg and anterior hand involvement; Myofibrillar myopathy 5; Hypertrophic cardiomyopathy 26. Last evaluated: 2025-12-19. Review status: criteria provided, single submitter. Criteria: Invitae Variant Classification Sherloc (09022015). Collection method: clinical testing. Allele origin: germline.

Ambry Genetics
Classification: Likely benign for Cardiovascular phenotype. Last evaluated: 2022-12-16. Review status: criteria provided, single submitter. Criteria: Ambry Variant Classification Scheme 2023. Collection method: clinical testing. Allele origin: germline.